The following is an entry in ClinVar:

ClinVar aggregate classification (germline): Uncertain significance. Review status: criteria provided, multiple submitters, no conflicts (2 of 4 stars). 2 submissions from 2 submitters: Uncertain significance (2). Last evaluated 2025-10-14.

Conditions:
Renal tubular dysgenesis of genetic origin. Also called: PRIMITIVE RENAL TUBULE SYNDROME. Identifiers: Orphanet 97369, MedGen C5681536, MONDO:0009970, OMIM 267430.

gnomAD v4.1: 102 of 1,614,096 alleles (0.0063%); highest among the groups gnomAD compares: Non-Finnish European, 0.0081%; no homozygotes.

Submissions (2):

Labcorp Genetics (formerly Invitae), Labcorp
Classification: Uncertain significance. Last evaluated: 2025-10-14. Review status: criteria provided, single submitter. Criteria: Invitae Variant Classification Sherloc (09022015). Collection method: clinical testing. Allele origin: germline.
Comment: This sequence change replaces valine, which is neutral and non-polar, with methionine, which is neutral and non-polar, at codon 127 of the AGT protein (p.Val127Met). This variant is present in population databases (rs369425934, gnomAD 0.006%). This variant has not been reported in the literature in individuals affected with AGT-related conditions. ClinVar contains an entry for this variant (Variation ID: 3581224). Invitae Evidence Modeling of protein sequence and biophysical properties (such as structural, functional, and spatial information, amino acid conservation, physicochemical variation, residue mobility, and thermodynamic stability) indicates that this missense variant is not expected to disrupt AGT protein function with a negative predictive value of 80%. In summary, the available evidence is currently insufficient to determine the role of this variant in disease. Therefore, it has been classified as a Variant of Uncertain Significance.

Fulgent Genetics
Classification: Uncertain significance for Renal tubular dysgenesis of genetic origin. Last evaluated: 2024-03-21. Review status: criteria provided, single submitter. Criteria: ACMG Guidelines, 2015. Collection method: clinical testing. Allele origin: germline.

NM_001384479.1(AGT):c.352G>A (p.Val118Met)

Gene: AGT (angiotensinogen; minus strand). Cytogenetic location: 1q42.2.
Variant type: single nucleotide variant.
Coding change: c.352G>A on transcript NM_001384479.1 (MANE Select); coding-DNA position 352, G replaced by A.
Protein change: p.Val118Met; replaces valine 118 with methionine.
Molecular consequence: missense variant.
Genome position (GRCh38, 1-based): chr1:230,710,472, C>T on the plus strand (G>A on the coding strand, the complement: AGT is on the minus strand). VCF-style: chr1-230710472-C-T. GRCh37 (hg19) VCF-style: chr1-230846218-C-T.
Other names: c.352G>A, p.Val118Met (NM_001382817.3); short protein forms V118M.
Identifiers: ClinVar variation 3581224 (VCV003581224.2).